The following is an entry in ClinVar:

NM_078629.4(MSL3):c.320C>G (p.Pro107Arg)

Gene: MSL3 (MSL complex subunit 3; plus strand). Cytogenetic location: Xp22.2.
Variant type: single nucleotide variant.
Coding change: c.320C>G on transcript NM_078629.4 (MANE Select); coding-DNA position 320, C replaced by G.
Protein change: p.Pro107Arg; replaces proline 107 with arginine.
Molecular consequence: missense variant. On other transcripts: 5 prime UTR variant (2).
Genome position (GRCh38, 1-based): chrX:11,760,875, C>G. VCF-style: chrX-11760875-C-G. GRCh37 (hg19) VCF-style: chrX-11778994-C-G.
Other names: c.284C>G, p.Pro95Arg (NM_001193270.2); c.-45C>G (NM_001282174.1); c.-179C>G (NM_006800.4); c.320C>G, p.Pro107Arg (NM_078628.2); short protein forms P107R, P95R.
Identifiers: ClinVar variation 2659992 (VCV002659992.24), dbSNP rs1206286867, ClinGen allele CA412063075.

ClinVar aggregate classification (germline): Uncertain significance (1 of 4 stars; one submission).

Submission:

CeGaT Center for Human Genetics Tuebingen
Classification: Uncertain significance. Last evaluated: 2023-01-01. Review status: criteria provided, single submitter. Criteria: CeGaT Center For Human Genetics Tuebingen Variant Classification Criteria Version 2. Collection method: clinical testing. Allele origin: germline. Affected: yes. Observed: 1 variant allele.
Comment: MSL3: PM2, BP1, BP4